The following is an entry in ClinVar:

NM_020831.6(MRTFA):c.1144CAC[1] (p.His383del)

Gene: MRTFA (myocardin related transcription factor A; minus strand). Cytogenetic location: 22q13.1.
Variant type: Microsatellite.
Coding change: c.1144CAC[1] on transcript NM_020831.6 (MANE Select); one copy of the 3-base unit CAC starting at c.1144; the reference has two copies in a row; one copy, 3 bases deleted.
Protein change: p.His383del; deletes histidine 383.
Genome position (GRCh38, 1-based): chr22:40,420,879-40,420,881, GTG deleted on the plus strand (CAC on the coding strand, the reverse complement: MRTFA is on the minus strand); deleting any 3 consecutive bases within chr22:40,420,879-40,420,884 gives the same sequence; the position shown is the placement nearest the transcript's 3' end. VCF-style (leftmost placement, unchanged base first): chr22-40420878-TGTG-T. GRCh37 (hg19) VCF-style: chr22-40816882-TGTG-T.
Other names: c.844CAC[1], p.His283del (NM_001282660.2); c.994CAC[1], p.His333del (NM_001282661.3); c.1144CAC[1], p.His383del (NM_001282662.3); c.949CAC[1], p.His318del (NM_001318139.2); short protein forms H283del, H318del, H333del, H383del.
Identifiers: ClinVar variation 3647887 (VCV003647887.2).

ClinVar aggregate classification (germline): Uncertain significance (1 of 4 stars; one submission).

Submission:

Labcorp Genetics (formerly Invitae), Labcorp
Classification: Uncertain significance. Last evaluated: 2024-03-27. Review status: criteria provided, single submitter. Criteria: Invitae Variant Classification Sherloc (09022015). Collection method: clinical testing. Allele origin: germline.
Comment: This variant, c.847_849del, results in the deletion of 1 amino acid(s) of the MKL1 protein (p.His283del), but otherwise preserves the integrity of the reading frame. This variant is not present in population databases (gnomAD no frequency). This variant has not been reported in the literature in individuals affected with MKL1-related conditions. Experimental studies and prediction algorithms are not available or were not evaluated, and the functional significance of this variant is currently unknown. In summary, the available evidence is currently insufficient to determine the role of this variant in disease. Therefore, it has been classified as a Variant of Uncertain Significance.